The following is an entry in ClinVar:

ClinVar aggregate classification (germline): Uncertain significance. Review status: criteria provided, multiple submitters, no conflicts (2 of 4 stars). 2 submissions from 2 submitters: Uncertain significance (2). Last evaluated 2023-07-03.

Conditions:
Cardiovascular phenotype. Identifiers: MedGen CN230736.
Progressive familial heart block type IB (PFHB1B). Identifiers: Orphanet 871, MedGen C1970298, MONDO:0011474, OMIM 604559.

Submissions (2):

Ambry Genetics
Classification: Uncertain significance for Cardiovascular phenotype. Last evaluated: 2023-07-03. Review status: criteria provided, single submitter. Criteria: Ambry Variant Classification Scheme 2023. Collection method: clinical testing. Allele origin: germline.
Comment: The p.K1140M variant (also known as c.3419A>T), located in coding exon 22 of the TRPM4 gene, results from an A to T substitution at nucleotide position 3419. The lysine at codon 1140 is replaced by methionine, an amino acid with similar properties. This amino acid position is conserved. In addition, this alteration is predicted to be tolerated by in silico analysis. Since supporting evidence is limited at this time, the clinical significance of this alteration remains unclear.

Labcorp Genetics (formerly Invitae), Labcorp
Classification: Uncertain significance for Progressive familial heart block type IB. Last evaluated: 2021-01-13. Review status: criteria provided, single submitter. Criteria: Invitae Variant Classification Sherloc (09022015). Collection method: clinical testing. Allele origin: germline.
Comment: This sequence change replaces lysine with methionine at codon 1140 of the TRPM4 protein (p.Lys1140Met). The lysine residue is moderately conserved and there is a moderate physicochemical difference between lysine and methionine. This variant is not present in population databases (ExAC no frequency). This variant has not been reported in the literature in individuals with TRPM4-related conditions. Algorithms developed to predict the effect of missense changes on protein structure and function are either unavailable or do not agree on the potential impact of this missense change (SIFT: "Deleterious"; PolyPhen-2: "Possibly Damaging"; Align-GVGD: "Class C0"). In summary, the available evidence is currently insufficient to determine the role of this variant in disease. Therefore, it has been classified as a Variant of Uncertain Significance.

NM_017636.4(TRPM4):c.3419A>T (p.Lys1140Met)

Gene: TRPM4 (transient receptor potential cation channel subfamily M member 4; plus strand). Cytogenetic location: 19q13.33.
Variant type: single nucleotide variant.
Coding change: c.3419A>T on transcript NM_017636.4 (MANE Select); coding-DNA position 3419, A replaced by T.
Protein change: p.Lys1140Met; replaces lysine 1140 with methionine.
Molecular consequence: missense variant.
Genome position (GRCh38, 1-based): chr19:49,210,800, A>T. VCF-style: chr19-49210800-A-T. GRCh37 (hg19) VCF-style: chr19-49714057-A-T.
Other names: c.2984A>T, p.Lys995Met (NM_001195227.2); c.3074A>T, p.Lys1025Met (NM_001321281.2); c.1811A>T, p.Lys604Met (NM_001321282.2); c.2897A>T, p.Lys966Met (NM_001321283.2); c.2357A>T, p.Lys786Met (NM_001321285.2); c.3419A>T (NM_017636.3); short protein forms K995M, K1140M, K604M, K1025M, K786M, K966M.
Identifiers: ClinVar variation 1421356 (VCV001421356.9), dbSNP rs1060502508, ClinGen allele CA406773168.